The following is an entry in ClinVar:

ClinVar aggregate classification (germline): Likely benign. Review status: criteria provided, single submitter (1 of 4 stars). 2 submissions from 2 submitters: Likely benign (1). 1 of the submissions does not count toward it. Last evaluated 2026-01-14.

Conditions:
OGDH-related disorder. Also called: OGDH-related condition.
Oxoglutaricaciduria. Identifiers: Orphanet 31, MedGen C2752074, MONDO:0008759, OMIM 203740.

Allele frequency attached by ClinVar (database versions not stated): gnomAD exomes 0.00005 and 0.00019; gnomAD 0.00006 and 0.00015; TOPMed 0.00011; ExAC 0.00016; 1000 Genomes Project 30x 0.00125; 1000 Genomes Project 0.00140.
gnomAD v4.1: 110 of 1,613,904 alleles (0.0068%); highest among the groups gnomAD compares: East Asian, 0.12%; 1 homozygote.

Submissions (2):

Labcorp Genetics (formerly Invitae), Labcorp
Classification: Likely benign for Oxoglutaricaciduria. Last evaluated: 2026-01-14. Review status: criteria provided, single submitter. Criteria: Invitae Variant Classification Sherloc (09022015). Collection method: clinical testing. Allele origin: germline.

PreventionGenetics, part of Exact Sciences
Classification: Likely benign for OGDH-related condition. Last evaluated: 2020-02-18. Review status: no assertion criteria provided. Collection method: clinical testing. Allele origin: germline. Not counted in ClinVar's aggregate classification.
Comment: This variant is classified as likely benign based on ACMG/AMP sequence variant interpretation guidelines (Richards et al. 2015 PMID: 25741868, with internal and published modifications).

NM_002541.4(OGDH):c.1542C>T (p.Asn514=)

Gene: OGDH (oxoglutarate dehydrogenase; plus strand). Cytogenetic location: 7p13.
Variant type: single nucleotide variant.
Coding change: c.1542C>T on transcript NM_002541.4 (MANE Select); coding-DNA position 1542, C replaced by T.
Protein change: p.Asn514=; no amino-acid change (asparagine 514 retained).
Molecular consequence: synonymous variant.
Genome position (GRCh38, 1-based): chr7:44,694,450, C>T. VCF-style: chr7-44694450-C-T. GRCh37 (hg19) VCF-style: chr7-44734049-C-T.
Other names: c.1530C>T, p.Asn510= (NM_001165036.2); c.1575C>T, p.Asn525= (NM_001363523.2); c.1575C>T (NM_001363523.1).
Identifiers: ClinVar variation 1650649 (VCV001650649.10), dbSNP rs199871931, ClinGen allele CA4243861.